The following is an entry in ClinVar:

ClinVar aggregate classification (germline): Conflicting classifications of pathogenicity. Review status: criteria provided, conflicting classifications (1 of 4 stars). 3 submissions from 3 submitters: Uncertain significance (2); Likely benign (1). Last evaluated 2024-04-30.

Conditions:
Hereditary nonpolyposis colorectal neoplasms. Identifiers: MedGen C0009405, MeSH D003123.
Hereditary cancer-predisposing syndrome. Also called: Hereditary Cancer Syndrome; Hereditary neoplastic syndrome; Neoplastic Syndromes, Hereditary; Tumor predisposition. Identifiers: Orphanet 140162, MedGen C0027672, MeSH D009386, MONDO:0015356.

gnomAD v4.1: 1 of 1,599,784 alleles (0.000063%); highest among the groups gnomAD compares: Non-Finnish European, 0.000085%; no homozygotes.

Submissions (3):

Labcorp Genetics (formerly Invitae), Labcorp
Classification: Uncertain significance for Hereditary nonpolyposis colorectal neoplasms. Last evaluated: 2024-04-30. Review status: criteria provided, single submitter. Criteria: Invitae Variant Classification Sherloc (09022015). Collection method: clinical testing. Allele origin: germline.
Comment: This sequence change falls in intron 9 of the MSH6 gene. It does not directly change the encoded amino acid sequence of the MSH6 protein. It affects a nucleotide within the consensus splice site. This variant is not present in population databases (gnomAD no frequency). This variant has not been reported in the literature in individuals affected with MSH6-related conditions. ClinVar contains an entry for this variant (Variation ID: 455315). Variants that disrupt the consensus splice site are a relatively common cause of aberrant splicing (PMID: 17576681, 9536098). Algorithms developed to predict the effect of sequence changes on RNA splicing suggest that this variant is not likely to affect RNA splicing. In summary, the available evidence is currently insufficient to determine the role of this variant in disease. Therefore, it has been classified as a Variant of Uncertain Significance.

Ambry Genetics
Classification: Likely benign for Hereditary cancer-predisposing syndrome. Last evaluated: 2022-01-20. Review status: criteria provided, single submitter. Criteria: Ambry Variant Classification Scheme 2023. Collection method: clinical testing. Allele origin: germline.

Color Diagnostics, LLC DBA Color Health
Classification: Uncertain significance for Hereditary cancer-predisposing syndrome. Last evaluated: 2018-11-19. Review status: criteria provided, single submitter. Criteria: ACMG Guidelines, 2015. Collection method: clinical testing. Allele origin: germline.

Literature cited by the submitters: PubMed 17576681 (cited by Labcorp Genetics (formerly Invitae), Labcorp); PubMed 9536098 (cited by Labcorp Genetics (formerly Invitae), Labcorp).

NM_000179.3(MSH6):c.4001+5C>T

Gene: MSH6 (mutS homolog 6; plus strand). Cytogenetic location: 2p16.3.
Variant type: single nucleotide variant.
Coding change: c.4001+5C>T on transcript NM_000179.3 (MANE Select); 5 bases into the intron after coding-DNA position 4001, C replaced by T.
Molecular consequence: intron variant.
Genome position (GRCh38, 1-based): chr2:47,806,656, C>T. VCF-style: chr2-47806656-C-T. GRCh37 (hg19) VCF-style: chr2-48033795-C-T.
Other names: c.3095+5C>T (NM_001281493.2, NM_001281494.2); c.3611+5C>T (NM_001281492.2).
Identifiers: ClinVar variation 455315 (VCV000455315.15), dbSNP rs786202305, ClinGen allele CA658655777.